The following is an entry in ClinVar:

ClinVar aggregate classification (germline): Uncertain significance (1 of 4 stars; one submission).

gnomAD v4.1: 1 of 1,612,360 alleles (0.000062%); highest among the groups gnomAD compares: South Asian, 0.0011%; no homozygotes.

Submission:

CeGaT Center for Human Genetics Tuebingen
Classification: Uncertain significance. Last evaluated: 2026-04-01. Review status: criteria provided, single submitter. Criteria: CeGaT Center For Human Genetics Tuebingen Variant Classification Criteria Version 2. Collection method: clinical testing. Allele origin: germline. Affected: yes. Observed: 1 variant allele.
Comment: TBX5: PM2:Supporting

NM_181486.4(TBX5):c.7G>A (p.Asp3Asn)

Gene: TBX5 (T-box transcription factor 5; minus strand). Cytogenetic location: 12q24.21.
Variant type: single nucleotide variant.
Coding change: c.7G>A on transcript NM_181486.4 (MANE Select); coding-DNA position 7, G replaced by A.
Protein change: p.Asp3Asn; replaces aspartic acid 3 with asparagine.
Molecular consequence: missense variant. On other transcripts: intron variant (1).
Genome position (GRCh38, 1-based): chr12:114,403,892, C>T on the plus strand (G>A on the coding strand, the complement: TBX5 is on the minus strand). VCF-style: chr12-114403892-C-T. GRCh37 (hg19) VCF-style: chr12-114841697-C-T.
Other names: c.7G>A, p.Asp3Asn (NM_000192.3); c.-3-1972G>A (NM_080717.4); short protein forms D3N.
Identifiers: ClinVar variation 4874116 (VCV004874116.2).